The following is an entry in ClinVar:

NM_025114.4(CEP290):c.1747A>C (p.Ile583Leu)

Gene: CEP290 (centrosomal protein 290; minus strand). Cytogenetic location: 12q21.32.
Variant type: single nucleotide variant.
Coding change: c.1747A>C on transcript NM_025114.4 (MANE Select); coding-DNA position 1747, A replaced by C.
Protein change: p.Ile583Leu; replaces isoleucine 583 with leucine.
Molecular consequence: missense variant.
Genome position (GRCh38, 1-based): chr12:88,117,110, T>G on the plus strand (A>C on the coding strand, the complement: CEP290 is on the minus strand). VCF-style: chr12-88117110-T-G. GRCh37 (hg19) VCF-style: chr12-88510887-T-G.
Other names: short protein forms I583L.
Identifiers: ClinVar variation 4981818 (VCV004981818.1).

ClinVar aggregate classification (germline): Uncertain significance (1 of 4 stars; one submission).

Conditions:
CEP290-related disorder. Also called: CEP290-related condition; CEP290-related disorders. Identifiers: MedGen CN239314.

gnomAD v4.1: 10 of 1,561,002 alleles (0.00064%); highest among the groups gnomAD compares: African/African-American, 0.0054%; no homozygotes.

Submission:

PreventionGenetics, part of Exact Sciences
Classification: Uncertain significance for CEP290-related condition. Last evaluated: 2024-10-11. Review status: criteria provided, single submitter. Criteria: ACMG Guidelines, 2015. Collection method: clinical testing. Allele origin: germline.
Comment: The CEP290 c.1747A>C variant is predicted to result in the amino acid substitution p.Ile583Leu. To our knowledge, this variant has not been reported in the literature. This variant is reported in 0.0092% of alleles in individuals of African descent in gnomAD. At this time, the clinical significance of this variant is uncertain due to the absence of conclusive functional and genetic evidence.